The following is an entry in ClinVar:

NM_001039591.3(USP9X):c.3810+4A>C

Gene: USP9X (ubiquitin specific peptidase 9 X-linked; plus strand). Cytogenetic location: Xp11.4.
Variant type: single nucleotide variant.
Coding change: c.3810+4A>C on transcript NM_001039591.3 (MANE Select); 4 bases into the intron after coding-DNA position 3810, A replaced by C.
Molecular consequence: intron variant.
Genome position (GRCh38, 1-based): chrX:41,188,121, A>C. VCF-style: chrX-41188121-A-C. GRCh37 (hg19) VCF-style: chrX-41047374-A-C.
Other names: c.3825+4A>C (NM_001410748.1, NM_001410749.1); c.3810+4A>C (NM_001039590.3).
Identifiers: ClinVar variation 2789867 (VCV002789867.3), dbSNP rs2147168324, ClinGen allele CA2739273438.
Genomic context (GRCh38, chrX:41,188,121, plus strand): 5'-GGGTCGTTACAGCTAGTATTTAGCCCAAATGAAGAAATCACTAAAATTTATGAGAAGGTA[A>C]GAATTATCACAGAACTATATTCCTTGTAAACAAATGTTTCTTAATTGTGCATGTGGTTTG-3'

ClinVar aggregate classification (germline): Uncertain significance (1 of 4 stars; one submission).

Submission:

Labcorp Genetics (formerly Invitae), Labcorp
Classification: Uncertain significance. Last evaluated: 2023-11-08. Review status: criteria provided, single submitter. Criteria: Invitae Variant Classification Sherloc (09022015). Collection method: clinical testing. Allele origin: germline.
Comment: This sequence change falls in intron 25 of the USP9X gene. It does not directly change the encoded amino acid sequence of the USP9X protein. It affects a nucleotide within the consensus splice site. This variant is not present in population databases (gnomAD no frequency). This variant has not been reported in the literature in individuals affected with USP9X-related conditions. Variants that disrupt the consensus splice site are a relatively common cause of aberrant splicing (PMID: 17576681, 9536098). Algorithms developed to predict the effect of sequence changes on RNA splicing suggest that this variant is not likely to affect RNA splicing. In summary, the available evidence is currently insufficient to determine the role of this variant in disease. Therefore, it has been classified as a Variant of Uncertain Significance.

Literature cited by the submitters: PubMed 17576681; PubMed 9536098.